The following is an entry in ClinVar:

NM_145725.3(TRAF3):c.1032G>A (p.Trp344Ter)

Gene: TRAF3 (TNF receptor associated factor 3; plus strand). Cytogenetic location: 14q32.32.
Variant type: single nucleotide variant.
Coding change: c.1032G>A on transcript NM_145725.3 (MANE Select); coding-DNA position 1032, G replaced by A.
Protein change: p.Trp344Ter; replaces tryptophan 344 with a stop codon.
Molecular consequence: nonsense.
Genome position (GRCh38, 1-based): chr14:102,903,326, G>A. VCF-style: chr14-102903326-G-A. GRCh37 (hg19) VCF-style: chr14-103369663-G-A.
Other names: p.W344*; c.783G>A, p.Trp261Ter (NM_001199427.2); c.891G>A, p.Trp297Ter (NM_001385142.1); c.951G>A, p.Trp317Ter (NM_001385143.1); c.1032G>A, p.Trp344Ter (NM_003300.4); c.957G>A, p.Trp319Ter (NM_145726.3); c.1032G>A (NM_003300.3); short protein forms W261*, W297*, W317*, W319*, W344*.
Identifiers: ClinVar variation 3238823 (VCV003238823.4), dbSNP rs2542619877.

ClinVar aggregate classification (germline): Pathogenic. Review status: criteria provided, multiple submitters, no conflicts (2 of 4 stars). 3 submissions from 3 submitters: Pathogenic (2). 1 of the submissions does not count toward it. Last evaluated 2026-04-17.

Conditions:
Immunodeficiency 132A. Also called: Herpes simplex encephalitis, susceptibility to, 3. Identifiers: Orphanet 1930, MedGen C3553868, MONDO:0013920, OMIM 614849.
TRAF3-related disorder. Also called: TRAF3 related condition.

Submissions (3):

Ambry Genetics
Classification: Pathogenic. Last evaluated: 2026-04-17. Review status: criteria provided, single submitter. Criteria: Ambry Variant Classification Scheme 2023. Collection method: clinical testing. Allele origin: germline.
Comment: The c.1032G>A (p.W344*) alteration, located in exon 10 (coding exon 9) of the TRAF3 gene, consists of a G to A substitution at nucleotide position 1032. This changes the amino acid from a tryptophan (W) to a stop codon at amino acid position 344. This alteration is expected to result in loss of function by premature protein truncation or nonsense-mediated mRNA decay. This variant was not reported in population-based cohorts in the Genome Aggregation Database (gnomAD). Based on the available evidence, this alteration is classified as pathogenic.

Baylor Genetics
Classification: Pathogenic for Immunodeficiency 132A. Last evaluated: 2023-12-07. Review status: criteria provided, single submitter. Criteria: ACMG Guidelines, 2015. Collection method: clinical testing. Allele origin: unknown.

Undiagnosed Diseases Network, NIH
Classification: Pathogenic for TRAF3 related condition. Last evaluated: 2024-01-04. Review status: no assertion criteria provided. Collection method: clinical testing. Allele origin: de novo. Affected: yes. Observed: 1 variant allele, 1 heterozygote. Study: Undiagnosed Diseases Network (NIH), UDN. Not counted in ClinVar's aggregate classification.